The following is an entry in ClinVar:

ClinVar aggregate classification (germline): Benign/Likely benign. Review status: criteria provided, multiple submitters, no conflicts (2 of 4 stars). 3 submissions from 3 submitters: Benign (1); Likely benign (2). Last evaluated 2024-05-13.

Conditions:
Heterotaxy, visceral, 4, autosomal (HTX4). Identifiers: Orphanet 450, MedGen C3151057, MONDO:0013403, OMIM 613751.

Allele frequency attached by ClinVar (database versions not stated): gnomAD 0.00010 and 0.00012; TOPMed 0.00015; ExAC 0.00023; ESP Exome Variant Server 0.00023; gnomAD exomes 0.00028.

Submissions (3):

Blueprint Genetics
Classification: Likely benign. Last evaluated: 2024-05-13. Review status: criteria provided, single submitter. Criteria: ACMG Guidelines, 2015. Collection method: clinical testing. Allele origin: germline.

Labcorp Genetics (formerly Invitae), Labcorp
Classification: Benign for Heterotaxy, visceral, 4, autosomal. Last evaluated: 2021-03-23. Review status: criteria provided, single submitter. Criteria: Invitae Variant Classification Sherloc (09022015). Collection method: clinical testing. Allele origin: germline.

Illumina Laboratory Services, Illumina
Classification: Likely benign for Heterotaxy, visceral, 4, autosomal. Last evaluated: 2018-01-13. Review status: criteria provided, single submitter. Criteria: ICSL Variant Classification Criteria 13 December 2019. Collection method: clinical testing. Allele origin: germline.
Comment: This variant was observed in the ICSL laboratory as part of a predisposition screen in an ostensibly healthy population. It had not been previously curated by ICSL or reported in the Human Gene Mutation Database (HGMD: prior to June 1st, 2018), and was therefore a candidate for classification through an automated scoring system. Utilizing variant allele frequency, disease prevalence and penetrance estimates, and inheritance mode, an automated score was calculated to assess if this variant is too frequent to cause the disease. Based on the score and internal cut-off values, a variant classified as likely benign is not then subjected to further curation. The score for this variant resulted in a classification of likely benign for this disease.

NM_001106.4(ACVR2B):c.1410C>T (p.Ser470=)

Gene: ACVR2B (activin A receptor type 2B; plus strand). Cytogenetic location: 3p22.2.
Variant type: single nucleotide variant.
Coding change: c.1410C>T on transcript NM_001106.4 (MANE Select); coding-DNA position 1410, C replaced by T.
Protein change: p.Ser470=; no amino-acid change (serine 470 retained).
Molecular consequence: synonymous variant.
Genome position (GRCh38, 1-based): chr3:38,483,203, C>T. VCF-style: chr3-38483203-C-T. GRCh37 (hg19) VCF-style: chr3-38524694-C-T.
Identifiers: ClinVar variation 900231 (VCV000900231.12), dbSNP rs141985115, ClinGen allele CA2319076.
Genomic context (GRCh38, chr3:38,483,203, plus strand): 5'-GGCCCAGCTTTGTGTGACCATCGAGGAGTGCTGGGACCATGATGCAGAGGCTCGCTTGTC[C>T]GCGGGCTGTGTGGAGGAGCGGGTGTCCCTGATTCGGAGGTCGGTCAACGGCACTACCTCG-3'
Protein context (NP_001097.2, residues 460-480): CWDHDAEARL[Ser470=]AGCVEERVSL